The following is an entry in ClinVar:

ClinVar aggregate classification (germline): Uncertain significance. Review status: criteria provided, multiple submitters, no conflicts (2 of 4 stars). 2 submissions from 2 submitters: Uncertain significance (2). Last evaluated 2026-01-12.

gnomAD v4.1: 1 of 1,613,972 alleles (0.000062%); highest among the groups gnomAD compares: Admixed American, 0.0017%; no homozygotes.

Submissions (2):

Labcorp Genetics (formerly Invitae), Labcorp
Classification: Uncertain significance. Last evaluated: 2026-01-12. Review status: criteria provided, single submitter. Criteria: Invitae Variant Classification Sherloc (09022015). Collection method: clinical testing. Allele origin: germline.
Comment: This sequence change replaces aspartic acid, which is acidic and polar, with asparagine, which is neutral and polar, at codon 444 of the SLC36A2 protein (p.Asp444Asn). This variant is present in population databases (rs758684875, gnomAD 0.003%). This variant has not been reported in the literature in individuals affected with SLC36A2-related conditions. ClinVar contains an entry for this variant (Variation ID: 3797629). Invitae Evidence Modeling of protein sequence and biophysical properties (such as structural, functional, and spatial information, amino acid conservation, physicochemical variation, residue mobility, and thermodynamic stability) indicates that this missense variant is not expected to disrupt SLC36A2 protein function with a negative predictive value of 80%. In summary, the available evidence is currently insufficient to determine the role of this variant in disease. Therefore, it has been classified as a Variant of Uncertain Significance.

Ambry Genetics
Classification: Uncertain significance. Last evaluated: 2025-01-22. Review status: criteria provided, single submitter. Criteria: Ambry Variant Classification Scheme 2023. Collection method: clinical testing. Allele origin: germline.

NM_181776.3(SLC36A2):c.1330G>A (p.Asp444Asn)

Gene: SLC36A2 (solute carrier family 36 member 2; minus strand). Cytogenetic location: 5q33.1.
Variant type: single nucleotide variant.
Coding change: c.1330G>A on transcript NM_181776.3 (MANE Select); coding-DNA position 1330, G replaced by A.
Protein change: p.Asp444Asn; replaces aspartic acid 444 with asparagine.
Molecular consequence: missense variant.
Genome position (GRCh38, 1-based): chr5:151,316,939, C>T on the plus strand (G>A on the coding strand, the complement: SLC36A2 is on the minus strand). VCF-style: chr5-151316939-C-T. GRCh37 (hg19) VCF-style: chr5-150696500-C-T.
Other names: short protein forms D444N.
Identifiers: ClinVar variation 3797629 (VCV003797629.2).